The following is an entry in ClinVar:

ClinVar aggregate classification (germline): Benign/Likely benign. Review status: criteria provided, multiple submitters, no conflicts (2 of 4 stars). 5 submissions from 5 submitters: Benign (2); Likely benign (3). Last evaluated 2025-09-02.

Conditions:
Aicardi-Goutieres syndrome 6 (AGS6). Identifiers: Orphanet 51, MedGen C3539013, MONDO:0014007, OMIM 615010.
Symmetrical dyschromatosis of extremities (DSH). Also called: Dyschromatosis symmetrica hereditaria; DYSCHROMATOSIS SYMMETRICA HEREDITARIA 1; RETICULATE ACROPIGMENTATION OF DOHI; SYMMETRIC DYSCHROMATOSIS OF THE EXTREMITIES. Identifiers: Orphanet 41, MedGen C0406775, MONDO:0007483, OMIM 127400.

Allele frequency attached by ClinVar (database versions not stated): gnomAD exomes 0.00001 and 0.00002; ExAC 0.00003; TOPMed 0.00003; gnomAD 0.00004 and 0.00005.
gnomAD v4.1: 21 of 1,613,948 alleles (0.0013%); highest among the groups gnomAD compares: African/African-American, 0.011%; no homozygotes.

Submissions (5):

Labcorp Genetics (formerly Invitae), Labcorp
Classification: Likely benign for Aicardi-Goutieres syndrome 6; Symmetrical dyschromatosis of extremities. Last evaluated: 2025-09-02. Review status: criteria provided, single submitter. Criteria: Invitae Variant Classification Sherloc (09022015). Collection method: clinical testing. Allele origin: germline.

Women's Health and Genetics/Laboratory Corporation of America, LabCorp
Classification: Likely benign. Last evaluated: 2024-12-26. Review status: criteria provided, single submitter. Criteria: LabCorp Variant Classification Summary - May 2015. Collection method: clinical testing. Allele origin: germline.

Genome-Nilou Lab
Classification: Benign for Aicardi-Goutieres syndrome 6. Last evaluated: 2023-04-11. Review status: criteria provided, single submitter. Criteria: ACMG Guidelines, 2015. Collection method: clinical testing. Allele origin: germline. Affected: no.

Blueprint Genetics
Classification: Likely benign. Last evaluated: 2023-04-04. Review status: criteria provided, single submitter. Criteria: ACMG Guidelines, 2015. Collection method: clinical testing. Allele origin: germline.

Illumina Laboratory Services, Illumina
Classification: Benign for Symmetrical dyschromatosis of extremities. Last evaluated: 2018-01-13. Review status: criteria provided, single submitter. Criteria: ICSL Variant Classification Criteria 13 December 2019. Collection method: clinical testing. Allele origin: germline.
Comment: This variant was observed in the ICSL laboratory as part of a predisposition screen in an ostensibly healthy population. It had not been previously curated by ICSL or reported in the Human Gene Mutation Database (HGMD: prior to June 1st, 2018), and was therefore a candidate for classification through an automated scoring system. Utilizing variant allele frequency, disease prevalence and penetrance estimates, and inheritance mode, an automated score was calculated to assess if this variant is too frequent to cause the disease. Based on the score and internal cut-off values, a variant classified as benign is not then subjected to further curation. The score for this variant resulted in a classification of benign for this disease.

NM_001111.5(ADAR):c.1934+12G>A

Gene: ADAR (adenosine deaminase RNA specific; minus strand). Cytogenetic location: 1q21.3.
Variant type: single nucleotide variant.
Coding change: c.1934+12G>A on transcript NM_001111.5 (MANE Select); 12 bases into the intron after coding-DNA position 1934, G replaced by A.
Molecular consequence: intron variant.
Genome position (GRCh38, 1-based): chr1:154,597,816, C>T on the plus strand (G>A on the coding strand, the complement: ADAR is on the minus strand). VCF-style: chr1-154597816-C-T. GRCh37 (hg19) VCF-style: chr1-154570292-C-T.
Other names: c.1934+12G>A (LRG_1212t1, NM_015841.4, NM_015840.4); c.1049+12G>A (NM_001365046.1, NM_001025107.3, NM_001365048.1 and 3 more transcripts); c.1961+12G>A (NM_001365045.1).
Identifiers: ClinVar variation 292769 (VCV000292769.15), dbSNP rs776357782, ClinGen allele CA1131424.